The following is an entry in ClinVar:

NM_017617.5(NOTCH1):c.4987C>T (p.Arg1663Trp)

Gene: NOTCH1 (notch receptor 1; minus strand). Cytogenetic location: 9q34.3.
Variant type: single nucleotide variant.
Coding change: c.4987C>T on transcript NM_017617.5 (MANE Select); coding-DNA position 4987, C replaced by T.
Protein change: p.Arg1663Trp; replaces arginine 1663 with tryptophan.
Molecular consequence: missense variant.
Genome position (GRCh38, 1-based): chr9:136,504,704, G>A on the plus strand (C>T on the coding strand, the complement: NOTCH1 is on the minus strand). VCF-style: chr9-136504704-G-A. GRCh37 (hg19) VCF-style: chr9-139399156-G-A.
Other names: c.4987C>T (NM_017617.4); short protein forms R1663W.
Identifiers: ClinVar variation 1744553 (VCV001744553.10), dbSNP rs769050541, ClinGen allele CA5340484.

ClinVar aggregate classification (germline): Conflicting classifications of pathogenicity. Review status: criteria provided, conflicting classifications (1 of 4 stars). 5 submissions from 5 submitters: Uncertain significance (4); Likely benign (1). Last evaluated 2025-06-25.

Conditions:
NOTCH1-related disorder. Also called: NOTCH1-related disorders; NOTCH1-related condition.
Adams-Oliver syndrome 5 (AOS5). Identifiers: Orphanet 974, MedGen C4014970, MONDO:0014459, OMIM 616028.
Familial thoracic aortic aneurysm and aortic dissection (TAAD). Also called: Thoracic aortic aneurysms and dissections. Identifiers: Orphanet 91387, MedGen C4707243, MONDO:0019625.

Allele frequency attached by ClinVar (database versions not stated): gnomAD 0.00001; ExAC 0.00016; TOPMed 0.00001; gnomAD exomes 0.00002.
gnomAD v4.1: 23 of 1,535,020 alleles (0.0015%); highest among the groups gnomAD compares: East Asian, 0.0025%; no homozygotes.

Submissions (5):

GeneDx
Classification: Uncertain significance. Last evaluated: 2025-06-25. Review status: criteria provided, single submitter. Criteria: GeneDx Variant Classification Process June 2021. Collection method: clinical testing. Allele origin: germline. Affected: yes.
Comment: Not observed at significant frequency in large population cohorts (gnomAD); In silico analysis supports that this missense variant has a deleterious effect on protein structure/function; Has not been previously published as pathogenic or benign to our knowledge; In silico analysis suggests this variant may impact gene splicing. In the absence of RNA/functional studies, the actual effect of this sequence change is unknown.

Ambry Genetics
Classification: Uncertain significance for Familial thoracic aortic aneurysm and aortic dissection. Last evaluated: 2025-04-13. Review status: criteria provided, single submitter. Criteria: Ambry Variant Classification Scheme 2023. Collection method: clinical testing. Allele origin: germline.
Comment: The p.R1663W variant (also known as c.4987C>T), located in coding exon 26 of the NOTCH1 gene, results from a C to T substitution at nucleotide position 4987. The arginine at codon 1663 is replaced by tryptophan, an amino acid with dissimilar properties. This amino acid position is well conserved in available vertebrate species. In addition, the in silico prediction for this alteration is inconclusive. Since supporting evidence is limited at this time, the clinical significance of this alteration remains unclear.

Labcorp Genetics (formerly Invitae), Labcorp
Classification: Uncertain significance for Adams-Oliver syndrome 5. Last evaluated: 2025-01-29. Review status: criteria provided, single submitter. Criteria: Invitae Variant Classification Sherloc (09022015). Collection method: clinical testing. Allele origin: germline.
Comment: This sequence change replaces arginine, which is basic and polar, with tryptophan, which is neutral and slightly polar, at codon 1663 of the NOTCH1 protein (p.Arg1663Trp). The frequency data for this variant in the population databases is considered unreliable, as metrics indicate poor data quality at this position in the gnomAD database. This variant has not been reported in the literature in individuals affected with NOTCH1-related conditions. ClinVar contains an entry for this variant (Variation ID: 1744553). Invitae Evidence Modeling of protein sequence and biophysical properties (such as structural, functional, and spatial information, amino acid conservation, physicochemical variation, residue mobility, and thermodynamic stability) indicates that this missense variant is not expected to disrupt NOTCH1 protein function with a negative predictive value of 95%. Algorithms developed to predict the effect of sequence changes on RNA splicing suggest that this variant may create or strengthen a splice site. In summary, the available evidence is currently insufficient to determine the role of this variant in disease. Therefore, it has been classified as a Variant of Uncertain Significance.

PreventionGenetics, part of Exact Sciences
Classification: Uncertain significance for NOTCH1-related condition. Last evaluated: 2024-10-30. Review status: criteria provided, single submitter. Criteria: ACMG Guidelines, 2015. Collection method: clinical testing. Allele origin: germline.
Comment: The NOTCH1 c.4987C>T variant is predicted to result in the amino acid substitution p.Arg1663Trp. To our knowledge, this variant has not been reported in the literature. This variant is reported in 0.0020% of alleles in individuals of European (Non-Finnish) descent in gnomAD. At this time, the clinical significance of this variant is uncertain due to the absence of conclusive functional and genetic evidence.

Blueprint Genetics
Classification: Likely benign. Last evaluated: 2022-09-06. Review status: criteria provided, single submitter. Criteria: ACMG Guidelines, 2015. Collection method: clinical testing. Allele origin: germline.

Literature cited by the submitters: PubMed 22225590 (cited by Ambry Genetics).